The following is an entry in ClinVar:

ClinVar aggregate classification (germline): Pathogenic/Likely pathogenic. Review status: criteria provided, multiple submitters, no conflicts (2 of 4 stars). 4 submissions from 4 submitters: Pathogenic (3); Likely pathogenic (1). Last evaluated 2025-05-23.

Conditions:
3-Oxo-5 alpha-steroid delta 4-dehydrogenase deficiency (PPSH). Also called: PSEUDOVAGINAL PERINEOSCROTAL HYPOSPADIAS; FAMILIAL INCOMPLETE MALE PSEUDOHERMAPHRODITISM, TYPE 2; MALE PSEUDOHERMAPHRODITISM DUE TO 5-ALPHA-REDUCTASE DEFICIENCY; 46,XY disorder of sex development due to 5-alpha-reductase 2 deficiency. Identifiers: Orphanet 753, MedGen C0268297, MONDO:0009923, OMIM 264600. Disease mechanism: loss of function.

Submissions (4):

First Genomix Gene Laboratory, Genetic Diagnostics Department
Classification: Pathogenic for 3-Oxo-5 alpha-steroid delta 4-dehydrogenase deficiency. Last evaluated: 2025-05-23. Review status: criteria provided, single submitter. Criteria: ACMG Guidelines, 2015. Collection method: clinical testing. Allele origin: germline. Inheritance: Autosomal recessive inheritance. Affected: no. Observed: 1 variant allele.

Fulgent Genetics
Classification: Likely pathogenic for 3-Oxo-5 alpha-steroid delta 4-dehydrogenase deficiency. Last evaluated: 2024-03-26. Review status: criteria provided, single submitter. Criteria: ACMG Guidelines, 2015. Collection method: clinical testing. Allele origin: germline.

Labcorp Genetics (formerly Invitae), Labcorp
Classification: Pathogenic for 3-Oxo-5 alpha-steroid delta 4-dehydrogenase deficiency. Last evaluated: 2023-12-21. Review status: criteria provided, single submitter. Criteria: Invitae Variant Classification Sherloc (09022015). Collection method: clinical testing. Allele origin: germline.
Comment: This sequence change affects a donor splice site in intron 4 of the SRD5A2 gene. While this variant is not anticipated to result in nonsense mediated decay, it likely alters RNA splicing and results in a disrupted protein product. This variant is present in population databases (rs747672984, gnomAD 0.01%). Disruption of this splice site has been observed in individual(s) with steroid-5 alpha-reductase deficiency (PMID: 1522235, 28938747, 30132287, 30668521, 31130284, 33516834). This variant is also known as 725+1G>T. Variants that disrupt the consensus splice site are a relatively common cause of aberrant splicing (PMID: 17576681, 9536098). Algorithms developed to predict the effect of sequence changes on RNA splicing suggest that this variant may disrupt the consensus splice site. This variant disrupts a region of the SRD5A2 protein in which other variant(s) (p.Tyr235Phe) have been determined to be pathogenic (PMID: 8110760, 16181229, 17609295, 27070133). This suggests that this is a clinically significant region of the protein, and that variants that disrupt it are likely to be disease-causing. For these reasons, this variant has been classified as Pathogenic.

Clinical Biochemistry Laboratory, Health Services Laboratory
Classification: Pathogenic for 3-Oxo-5 alpha-steroid delta 4-dehydrogenase deficiency. Last evaluated: 2023-11-20. Review status: criteria provided, single submitter. Criteria: ACMG Guidelines, 2015. Collection method: clinical testing. Allele origin: germline. Affected: yes.
Comment: ACMG:PVS1 PM2 PP4 PP5

Literature cited by the submitters: PubMed 1522235 (cited by Labcorp Genetics (formerly Invitae), Labcorp); PubMed 28938747 (cited by Labcorp Genetics (formerly Invitae), Labcorp); PubMed 30132287 (cited by Labcorp Genetics (formerly Invitae), Labcorp); PubMed 30668521 (cited by Labcorp Genetics (formerly Invitae), Labcorp); PubMed 31130284 (cited by Labcorp Genetics (formerly Invitae), Labcorp); PubMed 33516834 (cited by Labcorp Genetics (formerly Invitae), Labcorp); PubMed 17576681 (cited by Labcorp Genetics (formerly Invitae), Labcorp); PubMed 9536098 (cited by Labcorp Genetics (formerly Invitae), Labcorp); PubMed 8110760 (cited by Labcorp Genetics (formerly Invitae), Labcorp); PubMed 16181229 (cited by Labcorp Genetics (formerly Invitae), Labcorp); PubMed 17609295 (cited by Labcorp Genetics (formerly Invitae), Labcorp); PubMed 27070133 (cited by Labcorp Genetics (formerly Invitae), Labcorp); PubMed 21402750 (cited by Clinical Biochemistry Laboratory, Health Services Laboratory).

NM_000348.4(SRD5A2):c.698+1G>T

Gene: SRD5A2 (steroid 5 alpha-reductase 2; minus strand). Cytogenetic location: 2p23.1.
Variant type: single nucleotide variant.
Coding change: c.698+1G>T on transcript NM_000348.4 (MANE Select); the canonical splice donor site of the intron after coding-DNA position 698, G replaced by T.
Molecular consequence: splice donor variant.
Genome position (GRCh38, 1-based): chr2:31,529,306, C>A on the plus strand (G>T on the coding strand, the complement: SRD5A2 is on the minus strand). VCF-style: chr2-31529306-C-A. GRCh37 (hg19) VCF-style: chr2-31754376-C-A.
Identifiers: ClinVar variation 2674680 (VCV002674680.6), dbSNP rs747672984, ClinGen allele CA1599865.